The following is an entry in ClinVar:

ClinVar aggregate classification (germline): Pathogenic/Likely pathogenic. Review status: criteria provided, multiple submitters, no conflicts (2 of 4 stars). 3 submissions from 3 submitters: Pathogenic (2); Likely pathogenic (1). Last evaluated 2023-10-03.

Conditions:
X-linked agammaglobulinemia (XLA). Also called: Agammaglobulinemia, Bruton tyrosine kinase; Agammaglobulinemia, BTK; BTK-deficiency; Bruton-type agammaglobulinemia; Bruton's agammaglobulinemia; AGAMMAGLOBULINEMIA, X-LINKED, TYPE 1. Identifiers: Orphanet 229717, Orphanet 47, MedGen C0221026, MONDO:0010421, OMIM 300755.
X-linked agammaglobulinemia with growth hormone deficiency (IGHD3). Also called: Isolated growth hormone deficiency type 3; Growth hormone deficiency with hypogammaglobulinemia; ISOLATED GROWTH HORMONE DEFICIENCY, TYPE III, WITH AGAMMAGLOBULINEMIA; AGAMMAGLOBULINEMIA AND ISOLATED GROWTH HORMONE DEFICIENCY, X-LINKED; FLEISHER SYNDROME; HYPOGAMMAGLOBULINEMIA AND ISOLATED GROWTH HORMONE DEFICIENCY, X-LINKED. Identifiers: Orphanet 231692, Orphanet 631, MedGen C0472813, MONDO:0010615, OMIM 307200.

Submissions (3):

Labcorp Genetics (formerly Invitae), Labcorp
Classification: Pathogenic for X-linked agammaglobulinemia with growth hormone deficiency. Last evaluated: 2023-10-03. Review status: criteria provided, single submitter. Criteria: Invitae Variant Classification Sherloc (09022015). Collection method: clinical testing. Allele origin: germline.
Comment: This sequence change replaces methionine, which is neutral and non-polar, with threonine, which is neutral and polar, at codon 509 of the BTK protein (p.Met509Thr). This variant is not present in population databases (gnomAD no frequency). This missense change has been observed in individuals with X-linked agammaglobulinemia (XLA) (PMID: 12405164, 19419768, 19904586). This variant is also known as 1658T>C. ClinVar contains an entry for this variant (Variation ID: 571649). Advanced modeling of protein sequence and biophysical properties (such as structural, functional, and spatial information, amino acid conservation, physicochemical variation, residue mobility, and thermodynamic stability) performed at Invitae indicates that this missense variant is expected to disrupt BTK protein function. This variant disrupts the p.Met509 amino acid residue in BTK. Other variant(s) that disrupt this residue have been observed in individuals with BTK-related conditions (PMID: 7711734, 8938104, 9545398, 11742281, 12405164), which suggests that this may be a clinically significant amino acid residue. For these reasons, this variant has been classified as Pathogenic.

Laboratory for Molecular Medicine, Mass General Brigham Personalized Medicine
Classification: Likely pathogenic for X-linked agammaglobulinemia. Last evaluated: 2020-12-18. Review status: criteria provided, single submitter. Criteria: ACMG Guidelines, 2015. Collection method: clinical testing. Allele origin: germline.
Comment: The p.Met509Thr variant in BTK has been reported in at least 4 individuals with X-linked agammaglobulinemia (XLA; Chan 2006 PMID: 16712653, Noordzij 2002 PMID: 12405164, Toth 2009 PMID: 19419768, Chen 2016 PMID: 27512878, Lee 2010 PMID: 19904586). This variant has also been reported by other clinical laboratories in ClinVar (Variation ID 571649) and was absent from large population studies. Computational prediction tools and conservation analyses suggest that this variant may impact the protein. This variant lies in the alpha-helix E region of the protein and the methionine (Met) residue in codon 509 is conserved in protein-tyrosine kinases and is thought to be critical for the structure and stability of the catalytic site of the enzyme (Vorechovsky 1995 PMID: 7711734, Mattsson 1996 PMID: 8885720). Additional variants involving this codon (p.Met509Ile and p.Met509Val) have been identified in individuals with XLA (Vorechovsky 1995 PMID: 7711734, Farrar 1996 PMID: 8938104, Conley 1998 PMID: 9545398, Kanegane 2001 PMID: 11742281, Noordzij 2002 PMID: 12405164). In summary, although additional studies are required to fully establish its clinical significance, this variant meets criteria to be classified as likely pathogenic for X-linked agammaglobulinemia. ACMG/AMP Criteria applied: PS4_Moderate, PM2_Supporting, PP3, PM1.

Center for Genomics, Ann and Robert H. Lurie Children's Hospital of Chicago
Classification: Pathogenic for X-linked agammaglobulinemia; X-linked agammaglobulinemia with growth hormone deficiency. Review status: criteria provided, single submitter. Criteria: ACMG Guidelines, 2015. Collection method: clinical testing. Allele origin: germline.
Comment: BTK NM_000061.3 exon 15 p.Met509Thr (c.1526T>C): This variant has been reported in the literature in at least 4 individuals with X-Linked Agammaglobulinemia (XLA) (Noordzij 2002 PMID:12405164, Toth 2009 PMID:19419768, Lee 2010 PMID:19904586). This variant is not present in large control databases. This variant is present in ClinVar (Variation ID:571649). Evolutionary conservation and computational predictive tools suggest that this variant may impact the protein. Of note, other variants at this position have been reported in association with disease (p.Met509Ile, p.Met509Val) and at least 1 publication suggests that variants associated with disease are common at this position (Lee 1995 PMID:19904586). In summary, this variant is classified as pathogenic.

Literature cited by the submitters: PubMed 12405164 (cited by Labcorp Genetics (formerly Invitae), Labcorp and Laboratory for Molecular Medicine, Mass General Brigham Personalized Medicine); PubMed 19419768 (cited by Labcorp Genetics (formerly Invitae), Labcorp and Laboratory for Molecular Medicine, Mass General Brigham Personalized Medicine); PubMed 19904586 (cited by Labcorp Genetics (formerly Invitae), Labcorp and Laboratory for Molecular Medicine, Mass General Brigham Personalized Medicine); PubMed 7711734 (cited by Labcorp Genetics (formerly Invitae), Labcorp); PubMed 8938104 (cited by Labcorp Genetics (formerly Invitae), Labcorp); PubMed 9545398 (cited by Labcorp Genetics (formerly Invitae), Labcorp); PubMed 11742281 (cited by Labcorp Genetics (formerly Invitae), Labcorp); PubMed 27512878 (cited by Laboratory for Molecular Medicine, Mass General Brigham Personalized Medicine); PubMed 16712653 (cited by Laboratory for Molecular Medicine, Mass General Brigham Personalized Medicine).

NM_000061.3(BTK):c.1526T>C (p.Met509Thr)

Gene: BTK (Bruton tyrosine kinase; minus strand). Cytogenetic location: Xq22.1.
Variant type: single nucleotide variant.
Coding change: c.1526T>C on transcript NM_000061.3 (MANE Select); coding-DNA position 1526, T replaced by C.
Protein change: p.Met509Thr; replaces methionine 509 with threonine.
Molecular consequence: missense variant. On other transcripts: intron variant (1).
Genome position (GRCh38, 1-based): chrX:101,356,092, A>G on the plus strand (T>C on the coding strand, the complement: BTK is on the minus strand). VCF-style: chrX-101356092-A-G. GRCh37 (hg19) VCF-style: chrX-100611080-A-G.
Other names: c.1628T>C, p.Met543Thr (NM_001287344.2); c.1039-1398T>C (NM_001287345.2); short protein forms M509T, M543T.
Identifiers: ClinVar variation 571649 (VCV000571649.15), dbSNP rs1569291644, ClinGen allele CA413923414.